The following is an entry in ClinVar:

NM_014975.3(MAST1):c.2378G>C (p.Gly793Ala)

Genes: MAST1 (microtubule associated serine/threonine kinase 1; plus strand), LOC112543452 (Sharpr-MPRA regulatory region 6054; plus strand). Cytogenetic location: 19p13.13.
Variant type: single nucleotide variant.
Coding change: c.2378G>C on transcript NM_014975.3 (MANE Select); coding-DNA position 2378, G replaced by C.
Protein change: p.Gly793Ala; replaces glycine 793 with alanine.
Molecular consequence: missense variant.
Genome position (GRCh38, 1-based): chr19:12,867,789, G>C. VCF-style: chr19-12867789-G-C. GRCh37 (hg19) VCF-style: chr19-12978603-G-C.
Other names: short protein forms G793A.
Identifiers: ClinVar variation 1722790 (VCV001722790.2), dbSNP rs2512539451, ClinGen allele CA404278958.

ClinVar aggregate classification (germline): Uncertain significance (1 of 4 stars; one submission).

Submission:

GeneDx
Classification: Uncertain significance. Last evaluated: 2022-05-02. Review status: criteria provided, single submitter. Criteria: GeneDx Variant Classification Process June 2021. Collection method: clinical testing. Allele origin: germline. Affected: yes.
Comment: Not observed at significant frequency in large population cohorts (gnomAD); In silico analysis supports that this missense variant does not alter protein structure/function; Has not been previously published as pathogenic or benign to our knowledge